The following is an entry in ClinVar:

NM_001008537.3(NEXMIF):c.2673del (p.Asn891fs)

Gene: NEXMIF (neurite extension and migration factor; minus strand). Cytogenetic location: Xq13.3.
Variant type: Deletion.
Coding change: c.2673del on transcript NM_001008537.3 (MANE Select); coding-DNA position 2673, one base deleted (C; older notation c.2673delC).
Protein change: p.Asn891fs; shifts the reading frame from asparagine 891.
Molecular consequence: frameshift variant.
Genome position (GRCh38, 1-based): chrX:74,741,884, G deleted on the plus strand (C on the coding strand, the reverse complement: NEXMIF is on the minus strand). VCF-style (leftmost placement, unchanged base first): chrX-74741883-TG-T. GRCh37 (hg19) VCF-style: chrX-73961718-TG-T.
Other names: short protein forms N891fs.
Identifiers: ClinVar variation 474064 (VCV000474064.8), dbSNP rs1556016438, ClinGen allele CA658659016.
Genomic context (GRCh38, chrX:74,741,883, plus strand): 5'-GGGTTGGGGCTATCTCCCTTGAGACTTCAGCCATGAATTCCTGGGTGCCAGAAGTAGCCT[TG>T]TTGGGCCACACATTTCTATAGTTGCTTGATTCCATTTTGAAGTTATGAGATGACTGCTGC-3'

ClinVar aggregate classification (germline): Pathogenic (1 of 4 stars; one submission).

Submission:

Labcorp Genetics (formerly Invitae), Labcorp
Classification: Pathogenic. Last evaluated: 2017-04-17. Review status: criteria provided, single submitter. Criteria: Invitae Variant Classification Sherloc (09022015). Collection method: clinical testing. Allele origin: germline.
Comment: For these reasons, this variant has been classified as Pathogenic. While this particular variant has not been reported in the literature, loss-of-function variants in KIAA2022 are known to be pathogenic (PMID: 23615299). This sequence change deletes 1 nucleotide from exon 3 of the KIAA2022 mRNA (c.2673delC), causing a frameshift at codon 891. This creates a premature translational stop signal (p.Asn891Lysfs*18) and is expected to result in an absent or disrupted protein product.

Literature cited by the submitters: PubMed 23615299.